The following is an entry in ClinVar:

ClinVar aggregate classification (germline): Pathogenic (1 of 4 stars; one submission).

Conditions:
Primary ciliary dyskinesia 3. Identifiers: Orphanet 244, MedGen C1837618, MONDO:0012085, OMIM 608644.

Submission:

Myriad Genetics, Inc.
Classification: Pathogenic for Primary ciliary dyskinesia 3. Last evaluated: 2024-05-14. Review status: criteria provided, single submitter. Criteria: Myriad Autosomal Dominant, Autosomal Recessive and X-Linked Classification Criteria (2023). Collection method: clinical testing. Allele origin: unknown.
Comment: NM_001369.2(DNAH5):c.4056_4060del5ins16(G1353Cfs*11) is expected to be pathogenic in the context of primary ciliary dyskinesia, DNAH5-related. This variant is predicted to lead to an abnormal or absent protein product due to the creation of a premature termination codon in DNAH5, a gene where loss-of-function variants are known to be pathogenic. Please note: this variant was assessed in the context of healthy population screening.

NM_001369.3(DNAH5):c.4056_4060delinsCTGTCTCTTATACACA (p.Gly1353fs)

Genes: DNAH5 (dynein axonemal heavy chain 5; minus strand), DNAH5-AS1 (DNAH5 antisense RNA 1; plus strand). Cytogenetic location: 5p15.2.
Variant type: Indel.
Coding change: c.4056_4060delinsCTGTCTCTTATACACA on transcript NM_001369.3 (MANE Select); coding-DNA positions 4056 to 4060, TGGTC replaced by CTGTCTCTTATACACA.
Protein change: p.Gly1353fs; shifts the reading frame from glycine 1353.
Molecular consequence: frameshift variant.
Genome position (GRCh38, 1-based): chr5:13,866,276-13,866,280, GACCA replaced by TGTGTATAAGAGACAG on the plus strand (TGGTC replaced by CTGTCTCTTATACACA on the coding strand, the reverse complement: DNAH5 is on the minus strand). VCF-style: chr5-13866276-GACCA-TGTGTATAAGAGACAG. GRCh37 (hg19) VCF-style: chr5-13866385-GACCA-TGTGTATAAGAGACAG.
Other names: short protein forms G1353fs.
Identifiers: ClinVar variation 5010424 (VCV005010424.1).